The following is an entry in ClinVar:

NM_001369268.1(ACAN):c.403G>T (p.Val135Leu)

Gene: ACAN (aggrecan; plus strand). Cytogenetic location: 15q26.1.
Variant type: single nucleotide variant.
Coding change: c.403G>T on transcript NM_001369268.1 (MANE Select); coding-DNA position 403, G replaced by T.
Protein change: p.Val135Leu; replaces valine 135 with leucine.
Molecular consequence: missense variant.
Genome position (GRCh38, 1-based): chr15:88,838,995, G>T. VCF-style: chr15-88838995-G-T. GRCh37 (hg19) VCF-style: chr15-89382226-G-T.
Other names: c.403G>T, p.Val135Leu (NM_001135.4, NM_001411096.1, NM_001411097.1 and 1 more transcripts); short protein forms V135L.
Identifiers: ClinVar variation 4741470 (VCV004741470.1).
Genomic context (GRCh38, chr15:88,838,995, plus strand): 5'-GACGCCACCTTGGAAGTCCAGAGCCTGCGCTCCAATGACTCTGGGGTCTACCGCTGCGAG[G>T]TGATGCATGGCATCGAGGACAGCGAGGCCACCCTGGAAGTCGTGGTGAAAGGTGAGAGCC-3'
Protein context (NP_001356197.1, residues 125-145): SNDSGVYRCE[Val135Leu]MHGIEDSEAT

ClinVar aggregate classification (germline): Uncertain significance (1 of 4 stars; one submission).

gnomAD v4.1: 1 of 1,611,316 alleles (0.000062%); highest among the groups gnomAD compares: South Asian, 0.0011%; no homozygotes.

Submission:

Labcorp Genetics (formerly Invitae), Labcorp
Classification: Uncertain significance. Last evaluated: 2025-03-04. Review status: criteria provided, single submitter. Criteria: Invitae Variant Classification Sherloc (09022015). Collection method: clinical testing. Allele origin: germline.
Comment: This sequence change replaces valine, which is neutral and non-polar, with leucine, which is neutral and non-polar, at codon 135 of the ACAN protein (p.Val135Leu). This variant is not present in population databases (gnomAD no frequency). This variant has not been reported in the literature in individuals affected with ACAN-related conditions. Invitae Evidence Modeling of protein sequence and biophysical properties (such as structural, functional, and spatial information, amino acid conservation, physicochemical variation, residue mobility, and thermodynamic stability) indicates that this missense variant is not expected to disrupt ACAN protein function with a negative predictive value of 80%. In summary, the available evidence is currently insufficient to determine the role of this variant in disease. Therefore, it has been classified as a Variant of Uncertain Significance.